The following is an entry in ClinVar:

ClinVar aggregate classification (germline): Conflicting classifications of pathogenicity. Review status: criteria provided, conflicting classifications (1 of 4 stars). 7 submissions from 7 submitters: Uncertain significance (6); Likely benign (1). Last evaluated 2026-01-21.

Conditions:
Myofibrillar myopathy 5. Also called: FILAMINOPATHY, AUTOSOMAL DOMINANT; Filaminopathy (type). Identifiers: Orphanet 171445, MedGen C1836050, MONDO:0012289, OMIM 609524.
Distal myopathy with posterior leg and anterior hand involvement. Also called: WILLIAMS DISTAL MYOPATHY. Identifiers: Orphanet 63273, MedGen C3279722, MONDO:0013550, OMIM 614065.
Hypertrophic cardiomyopathy 26. Also called: Cardiomyopathy, familial hypertrophic, 26. Identifiers: Orphanet 75249, MedGen C4310749, MONDO:0014883, OMIM 617047.
Cardiovascular phenotype. Identifiers: MedGen CN230736.

Allele frequency attached by ClinVar (database versions not stated): gnomAD exomes 0.00003 and 0.00004; ExAC 0.00004; gnomAD 0.00015 and 0.00018; ESP Exome Variant Server 0.00016; TOPMed 0.00023.
gnomAD v4.1: 67 of 1,613,964 alleles (0.0042%); highest among the groups gnomAD compares: African/African-American, 0.056%; no homozygotes.

Submissions (7):

Labcorp Genetics (formerly Invitae), Labcorp
Classification: Likely benign for Distal myopathy with posterior leg and anterior hand involvement; Myofibrillar myopathy 5; Hypertrophic cardiomyopathy 26. Last evaluated: 2026-01-21. Review status: criteria provided, single submitter. Criteria: Invitae Variant Classification Sherloc (09022015). Collection method: clinical testing. Allele origin: germline.

Women's Health and Genetics/Laboratory Corporation of America, LabCorp
Classification: Uncertain significance. Last evaluated: 2025-09-29. Review status: criteria provided, single submitter. Criteria: LabCorp Variant Classification Summary - May 2015. Collection method: clinical testing. Allele origin: germline.

Ambry Genetics
Classification: Uncertain significance for Cardiovascular phenotype. Last evaluated: 2025-06-06. Review status: criteria provided, single submitter. Criteria: Ambry Variant Classification Scheme 2023. Collection method: clinical testing. Allele origin: germline.

Mayo Clinic Laboratories, Mayo Clinic
Classification: Uncertain significance. Last evaluated: 2023-04-03. Review status: criteria provided, single submitter. Criteria: ACMG Guidelines, 2015. Collection method: clinical testing. Allele origin: germline. Observed: 1 variant allele.
Comment: BS2

Fulgent Genetics
Classification: Uncertain significance for Myofibrillar myopathy 5; Distal myopathy with posterior leg and anterior hand involvement; Hypertrophic cardiomyopathy 26. Last evaluated: 2021-11-09. Review status: criteria provided, single submitter. Criteria: ACMG Guidelines, 2015. Collection method: clinical testing. Allele origin: unknown.

Revvity Omics, Revvity
Classification: Uncertain significance. Last evaluated: 2021-03-03. Review status: criteria provided, single submitter. Criteria: ACMG Guidelines, 2015. Collection method: clinical testing. Allele origin: germline.

GeneDx
Classification: Uncertain significance. Last evaluated: 2020-08-05. Review status: criteria provided, single submitter. Criteria: GeneDx Variant Classification Process June 2021. Collection method: clinical testing. Allele origin: germline. Affected: yes.
Comment: Has not been previously published as pathogenic or benign to our knowledge; Reported in ClinVar as a variant of uncertain significance (ClinVar Variant ID#432546; Landrum et al., 2016); In silico analysis, which includes protein predictors and evolutionary conservation, supports a deleterious effect

NM_001458.5(FLNC):c.7108G>A (p.Gly2370Ser)

Genes: FLNC (filamin C; plus strand), FLNC-AS1 (FLNC antisense RNA 1; minus strand). Cytogenetic location: 7q32.1.
Variant type: single nucleotide variant.
Coding change: c.7108G>A on transcript NM_001458.5 (MANE Select); coding-DNA position 7108, G replaced by A.
Protein change: p.Gly2370Ser; replaces glycine 2370 with serine.
Molecular consequence: missense variant.
Genome position (GRCh38, 1-based): chr7:128,854,885, G>A. VCF-style: chr7-128854885-G-A. GRCh37 (hg19) VCF-style: chr7-128494939-G-A.
Other names: p.Gly2370Ser; c.7009G>A, p.Gly2337Ser (NM_001127487.2); short protein forms G2370S, G2337S.
Identifiers: ClinVar variation 432546 (VCV000432546.20), dbSNP rs201917318, ClinGen allele CA4476158.